The following is an entry in ClinVar:

NM_022739.4(SMURF2):c.1436A>G (p.His479Arg)

Gene: SMURF2 (SMAD specific E3 ubiquitin protein ligase 2; minus strand). Cytogenetic location: 17q23.3.
Variant type: single nucleotide variant.
Coding change: c.1436A>G on transcript NM_022739.4 (MANE Select); coding-DNA position 1436, A replaced by G.
Protein change: p.His479Arg; replaces histidine 479 with arginine.
Molecular consequence: missense variant.
Genome position (GRCh38, 1-based): chr17:64,555,994, T>C on the plus strand (A>G on the coding strand, the complement: SMURF2 is on the minus strand). VCF-style: chr17-64555994-T-C. GRCh37 (hg19) VCF-style: chr17-62552112-T-C.
Other names: short protein forms H479R.
Identifiers: ClinVar variation 4993604 (VCV004993604.1).

ClinVar aggregate classification (germline): Uncertain significance (1 of 4 stars; one submission).

Conditions:
SMURF2-related disorder. Also called: SMURF2-related condition.

Submission:

PreventionGenetics, part of Exact Sciences
Classification: Uncertain significance for SMURF2-related condition. Last evaluated: 2026-08-10. Review status: criteria provided, single submitter. Criteria: ACMG Guidelines, 2015. Collection method: clinical testing. Allele origin: germline.
Comment: The SMURF2 c.1436A>G variant is predicted to result in the amino acid substitution p.His479Arg. To our knowledge, this variant has not been reported in the literature or in a large population database (gnomAD), indicating this variant is rare. At this time, the clinical significance of this variant is uncertain due to the absence of conclusive functional and genetic evidence.